The following is an entry in ClinVar:

ClinVar aggregate classification (germline): Uncertain significance (1 of 4 stars; one submission).

Conditions:
Hereditary cancer-predisposing syndrome. Also called: Neoplastic Syndromes, Hereditary; Tumor predisposition; Hereditary neoplastic syndrome; Hereditary Cancer Syndrome. Identifiers: Orphanet 140162, MedGen C0027672, MeSH D009386, MONDO:0015356.

Submission:

Ambry Genetics
Classification: Uncertain significance for Hereditary cancer-predisposing syndrome. Last evaluated: 2026-07-24. Review status: criteria provided, single submitter. Criteria: Ambry Variant Classification Scheme 2023. Collection method: clinical testing. Allele origin: germline.
Comment: The c.1389G>T variant (also known as p.G463G), located in coding exon 7 of the RET gene, results from a G to T substitution at nucleotide position 1389. This nucleotide substitution does not change the glycine at codon 463. This nucleotide position is not well conserved in available vertebrate species. In silico splice site analysis for this alteration is inconclusive. Based on the available evidence, the clinical significance of this variant remains unclear.

NM_020975.6(RET):c.1389G>T (p.Gly463=)

Gene: RET (ret proto-oncogene; plus strand). Cytogenetic location: 10q11.21.
Variant type: single nucleotide variant.
Coding change: c.1389G>T on transcript NM_020975.6 (MANE Select); coding-DNA position 1389, G replaced by T.
Protein change: p.Gly463=; no amino-acid change (glycine 463 retained).
Molecular consequence: synonymous variant. On other transcripts: intron variant (15).
Genome position (GRCh38, 1-based): chr10:43,111,332, G>T. VCF-style: chr10-43111332-G-T. GRCh37 (hg19) VCF-style: chr10-43606780-G-T.
Other names: c.1389G>T, p.Gly463= (NM_020630.7, NM_001406763.1, NM_001406765.1 and 4 more transcripts); c.626-767G>T (NM_001406782.1, NM_001406780.1, NM_001406779.1 and 3 more transcripts); c.497-767G>T (NM_001406786.1, NM_001406783.1); c.338-767G>T (NM_001406790.1, NM_001406788.1, NM_001406789.1 and 1 more transcripts); c.74-767G>T (NM_001406794.1, NM_001406792.1, NM_001406793.1); c.993G>T, p.Gly331= (NM_001406769.1, NM_001406772.1); c.1101G>T, p.Gly367= (NM_001406770.1, NM_001406766.1, NM_001406767.1); c.951G>T, p.Gly317= (NM_001406771.1, NM_001406773.1); and 5 more.
Identifiers: ClinVar variation 5028188 (VCV005028188.1).